The following is an entry in ClinVar:

ClinVar aggregate classification (germline): Benign/Likely benign (0 of 4 stars; one submission).

Submission:

GeneDx
Classification: Benign/Likely benign. Last evaluated: 2011-04-30. Review status: no assertion criteria provided. Collection method: clinical testing. Allele origin: not provided. Affected: yes. Observed: 4 variant alleles. Clinical features observed: Developmental delay AND/OR other significant developmental or morphological phenotypes.
Comment: Likely benign (2), Benign (2)

GRCh38/hg38 1p13.3(chr1:108268404-108425912)x3

Genes: NBPF4 (NBPF member 4), NBPF6 (NBPF member 6). Cytogenetic location: 1p13.3.
Variant type: copy number gain.
Change: copy number 3 (three copies instead of two) of chr1:108,268,404-108,425,912 (157.5 kb, GRCh38 coordinates, 1-based), cytogenetic band 1p13.3.
Identifiers: ClinVar variation 144799 (VCV000144799.1).